The following is an entry in ClinVar:

ClinVar aggregate classification (germline): Likely benign (1 of 4 stars; one submission).

Conditions:
Wiedemann-Steiner syndrome (WDSTS). Also called: Growth deficiency and mental retardation with facial dysmorphism. Identifiers: Orphanet 319182, MedGen C1854630, MONDO:0011518, OMIM 605130.

Submission:

Centre for Medical Genetics,  Mumbai
Classification: Likely benign for Wiedemann-Steiner syndrome. Last evaluated: 2026-02-17. Review status: criteria provided, single submitter. Criteria: ACMG Guidelines, 2015. Collection method: provider interpretation. Allele origin: germline. Inheritance: Autosomal dominant inheritance. Affected: no. Observed: 1 heterozygote.
Comment: The variant satisfies PM2 criteria; extremely low frequency in gnomAD population databases. The variant satisfies PP2 criteria; missense variant in a gene with low rate of benign missense mutations and for which missense mutation is a common mechanism of a disease. However, the variant satisfies BS2 criteria.

Literature cited by the submitters: PubMed 22795537.

NM_001197104.2(KMT2A):c.6923G>C (p.Gly2308Ala)

Gene: KMT2A (lysine methyltransferase 2A; plus strand). Cytogenetic location: 11q23.3.
Variant type: single nucleotide variant.
Coding change: c.6923G>C on transcript NM_001197104.2 (MANE Select); coding-DNA position 6923, G replaced by C.
Protein change: p.Gly2308Ala; replaces glycine 2308 with alanine.
Molecular consequence: missense variant.
Genome position (GRCh38, 1-based): chr11:118,502,815, G>C. VCF-style: chr11-118502815-G-C. GRCh37 (hg19) VCF-style: chr11-118373530-G-C.
Other names: c.7013G>C, p.Gly2338Ala (NM_001412597.1); c.6914G>C, p.Gly2305Ala (NM_005933.4); short protein forms G2305A, G2308A, G2338A.
Identifiers: ClinVar variation 4795865 (VCV004795865.1).